The following is an entry in ClinVar:

NM_199242.3(UNC13D):c.2448-13G>A

Gene: UNC13D (unc-13 homolog D; minus strand). Cytogenetic location: 17q25.1.
Variant type: single nucleotide variant.
Coding change: c.2448-13G>A on transcript NM_199242.3 (MANE Select); 13 bases into the intron before coding-DNA position 2448, G replaced by A.
Molecular consequence: intron variant.
Genome position (GRCh38, 1-based): chr17:75,831,361, C>T on the plus strand (G>A on the coding strand, the complement: UNC13D is on the minus strand). VCF-style: chr17-75831361-C-T. GRCh37 (hg19) VCF-style: chr17-73827442-C-T.
Identifiers: ClinVar variation 1518480 (VCV001518480.16), dbSNP rs753762300, ClinGen allele CA8772507.
Genomic context (GRCh38, chr17:75,831,361, plus strand): 5'-GCCTCCACCAGCACTGTGAGTGTGTGGGTCCAGAGCAGGGTCAGGAGGCTGGGGCGGGGC[C>T]GGAGGGATGCGGACACAGCACGGCAGGGCGGTGGCGGAGGAGGAAGCAAAGACGCTCTTG-3'

ClinVar aggregate classification (germline): Conflicting classifications of pathogenicity. Review status: criteria provided, conflicting classifications (1 of 4 stars). 6 submissions from 6 submitters: Pathogenic (4); Uncertain significance (1). 1 of the submissions does not count toward it. Last evaluated 2025-10-05.

Conditions:
Familial hemophagocytic lymphohistiocytosis 3 (FHL3). Also called: UNC13D-Related Familial Hemophagocytic Lymphohistiocytosis (UNC13D-fHLH). Identifiers: Orphanet 540, MedGen C1837174, MONDO:0012146, OMIM 608898.
Familial hemophagocytic lymphohistiocytosis (FHL). Also called: Familial erythrophagocytic lymphohistiocytosis; Familial histiocytic reticulosis; Hereditary hemophagocytic lymphohistiocytosis. Identifiers: Orphanet 158038, Orphanet 540, MedGen C0272199, MONDO:0015541.

Allele frequency attached by ClinVar (database versions not stated): gnomAD exomes below 0.00001; ExAC 0.00001.
gnomAD v4.1: 5 of 1,605,676 alleles (0.00031%); highest among the groups gnomAD compares: South Asian, 0.0011%; no homozygotes.

Submissions (6):

Labcorp Genetics (formerly Invitae), Labcorp
Classification: Pathogenic for Familial hemophagocytic lymphohistiocytosis 3. Last evaluated: 2025-10-05. Review status: criteria provided, single submitter. Criteria: Invitae Variant Classification Sherloc (09022015). Collection method: clinical testing. Allele origin: germline.
Comment: This sequence change falls in intron 25 of the UNC13D gene. It does not directly change the encoded amino acid sequence of the UNC13D protein. This variant is present in population databases (rs753762300, gnomAD no frequency). This variant has been observed in individual(s) with familial hemophagocytic lymphohistiocytosis (PMID: 24825797, 29262924, 31388699, 32327331, 33746956). In at least one individual the data is consistent with being in trans (on the opposite chromosome) from a pathogenic variant. This variant is also known as IVS25-13G>A. ClinVar contains an entry for this variant (Variation ID: 1518480). Algorithms developed to predict the effect of sequence changes on RNA splicing suggest that this variant may disrupt the consensus splice site. For these reasons, this variant has been classified as Pathogenic.

Genomic Medicine Center of Excellence, King Faisal Specialist Hospital and Research Centre
Classification: Uncertain significance for Familial hemophagocytic lymphohistiocytosis 3. Last evaluated: 2024-03-25. Review status: criteria provided, single submitter. Criteria: ACMG Guidelines, 2015. Collection method: clinical testing. Allele origin: germline.

Fulgent Genetics
Classification: Pathogenic for Familial hemophagocytic lymphohistiocytosis 3. Last evaluated: 2024-01-24. Review status: criteria provided, single submitter. Criteria: ACMG Guidelines, 2015. Collection method: clinical testing. Allele origin: germline.

Women's Health and Genetics/Laboratory Corporation of America, LabCorp
Classification: Pathogenic for Familial hemophagocytic lymphohistiocytosis. Last evaluated: 2022-11-15. Review status: criteria provided, single submitter. Criteria: LabCorp Variant Classification Summary - May 2015. Collection method: clinical testing. Allele origin: germline.
Comment: Variant summary: UNC13D c.2448-13G>A alters a non-conserved nucleotide located close to a canonical splice site and therefore could affect mRNA splicing, leading to a significantly altered protein sequence. Several computational tools predict a significant impact on normal splicing: two predict the variant abolishes a 3' acceptor site, while three predict the variant creates a novel 3' acceptor site, 11 nucleotides upstream from the original splice-site. These predictions were confirmed by a publication reporting experimental evidence demonstrating that the new acceptor splice site created by the variant was exclusively used in the splicing process, with no traces of residual usage of the wild type splice-site (Alsina_2014), as a consequence, this would result in a frameshift and a premature stop codon at the protein level. The variant allele was found at a frequency of 4.2e-06 in 239744 control chromosomes (gnomAD). c.2448-13G>A has been reported in the literature in a homozygous- and in multiple compound heterozygous individuals affected with Familial Hemophagocytic Lymphohistiocytosis (e.g. Alsina_2014, Zhang_2019, Liao_2020, Shabrish_2021). Most of these reports also demonstrated severely decreased NK cell cytotoxic activity in patient derived cells, in addition, the Munc13-4 protein (coded for by the UNC13D gene) was undetectable on western blot in the sample derived from a homozygous patient (Liao_2020). These data indicate that the variant is very likely to be associated with disease. One clinical diagnostic laboratory has submitted clinical-significance assessments for this variant to ClinVar after 2014 without evidence for independent evaluation, and classified the variant as likely pathogenic. Based on the evidence outlined above, the variant was classified as pathogenic.

Juno Genomics, Hangzhou Juno Genomics, Inc
Classification: Pathogenic for Familial hemophagocytic lymphohistiocytosis 3. Review status: criteria provided, single submitter. Criteria: ACMG Guidelines, 2015. Collection method: clinical testing. Allele origin: germline.
Comment: Absent from controls (or at extremely low frequency if recessive) in Genome Aggregation Database.;Null variant in a gene where loss of function (LOF) is a known mechanism of disease.;For recessive disorders, detected in trans with a pathogenic variant.;Patient's phenotype or family history is highly specific for a disease with a single genetic etiology.

Growth and Development Research Center, Tehran University of Medical Sciences
Classification: Likely pathogenic for Familial hemophagocytic lymphohistiocytosis 3. Review status: no assertion criteria provided. Collection method: clinical testing. Allele origin: germline. Inheritance: Autosomal recessive inheritance. Affected: yes. Observed: 2 variant alleles, 2 homozygotes. Not counted in ClinVar's aggregate classification.

Literature cited by the submitters: PubMed 24825797 (cited by Labcorp Genetics (formerly Invitae), Labcorp and Women's Health and Genetics/Laboratory Corporation of America, LabCorp); PubMed 29262924 (cited by Labcorp Genetics (formerly Invitae), Labcorp); PubMed 31388699 (cited by Labcorp Genetics (formerly Invitae), Labcorp and Women's Health and Genetics/Laboratory Corporation of America, LabCorp); PubMed 32327331 (cited by Labcorp Genetics (formerly Invitae), Labcorp and Women's Health and Genetics/Laboratory Corporation of America, LabCorp); PubMed 33746956 (cited by Labcorp Genetics (formerly Invitae), Labcorp and Women's Health and Genetics/Laboratory Corporation of America, LabCorp).